The following is an entry in ClinVar:

ClinVar aggregate classification (germline): Uncertain significance. Review status: criteria provided, multiple submitters, no conflicts (2 of 4 stars). 2 submissions from 2 submitters: Uncertain significance (2). Last evaluated 2024-10-28.

Conditions:
Hereditary breast ovarian cancer syndrome. Also called: Hereditary breast and ovarian cancer; Hereditary breast and ovarian cancer syndrome (HBOC); BRCA1- and BRCA2-Associated Hereditary Breast and Ovarian Cancer; Hereditary breast and ovarian cancer syndrome; Hereditary breast and/or ovarian cancer syndrome; Breast and ovarian cancer. Identifiers: Orphanet 145, MedGen C0677776, MeSH D061325, MONDO:0003582. Disease mechanism: loss of function.
Hereditary cancer-predisposing syndrome. Also called: Hereditary Cancer Syndrome; Tumor predisposition; Hereditary neoplastic syndrome; Neoplastic Syndromes, Hereditary. Identifiers: Orphanet 140162, MedGen C0027672, MeSH D009386, MONDO:0015356.

Submissions (2):

Labcorp Genetics (formerly Invitae), Labcorp
Classification: Uncertain significance for Hereditary breast ovarian cancer syndrome. Last evaluated: 2024-10-28. Review status: criteria provided, single submitter. Criteria: Invitae Variant Classification Sherloc (09022015). Collection method: clinical testing. Allele origin: germline.
Comment: This sequence change replaces asparagine, which is neutral and polar, with isoleucine, which is neutral and non-polar, at codon 3329 of the BRCA2 protein (p.Asn3329Ile). This variant is not present in population databases (gnomAD no frequency). This variant has not been reported in the literature in individuals affected with BRCA2-related conditions. Invitae Evidence Modeling of protein sequence and biophysical properties (such as structural, functional, and spatial information, amino acid conservation, physicochemical variation, residue mobility, and thermodynamic stability) indicates that this missense variant is not expected to disrupt BRCA2 protein function with a negative predictive value of 95%. In summary, the available evidence is currently insufficient to determine the role of this variant in disease. Therefore, it has been classified as a Variant of Uncertain Significance.

Ambry Genetics
Classification: Uncertain significance for Hereditary cancer-predisposing syndrome. Last evaluated: 2024-05-02. Review status: criteria provided, single submitter. Criteria: Ambry Variant Classification Scheme 2023. Collection method: clinical testing. Allele origin: germline.
Comment: The p.N3329I variant (also known as c.9986A>T), located in coding exon 26 of the BRCA2 gene, results from an A to T substitution at nucleotide position 9986. The asparagine at codon 3329 is replaced by isoleucine, an amino acid with dissimilar properties. This amino acid position is conserved. In addition, this alteration is predicted to be tolerated by in silico analysis. Based on the available evidence, the clinical significance of this variant remains unclear.

NM_000059.4(BRCA2):c.9986A>T (p.Asn3329Ile)

Gene: BRCA2 (BRCA2 DNA repair associated; plus strand). Cytogenetic location: 13q13.1.
Variant type: single nucleotide variant.
Coding change: c.9986A>T on transcript NM_000059.4 (MANE Select); coding-DNA position 9986, A replaced by T.
Protein change: p.Asn3329Ile; replaces asparagine 3329 with isoleucine.
Molecular consequence: missense variant. On other transcripts: non-coding transcript variant (1).
Genome position (GRCh38, 1-based): chr13:32,398,499, A>T. VCF-style: chr13-32398499-A-T. GRCh37 (hg19) VCF-style: chr13-32972636-A-T.
Other names: c.9890A>T, p.Asn3297Ile (NM_001406719.1); c.9935A>T, p.Asn3312Ile (NM_001406720.1); c.5054A>T, p.Asn1685Ile (NM_001406721.1); c.3569A>T, p.Asn1190Ile (NM_001406722.1); short protein forms N1685I, N3297I, N3312I, N1190I, N3329I.
Identifiers: ClinVar variation 3261611 (VCV003261611.3).
Genomic context (GRCh38, chr13:32,398,499, plus strand): 5'-AAACACCCATAAAGAAAAAAGAACTGAATTCTCCTCAGATGACTCCATTTAAAAAATTCA[A>T]TGAAATTTCTCTTTTGGAAAGTAATTCAATAGCTGACGAAGAACTTGCATTGATAAATAC-3'
Protein context (NP_000050.3, residues 3319-3339): SPQMTPFKKF[Asn3329Ile]EISLLESNSI